The following is an entry in ClinVar:

ClinVar aggregate classification (germline): Conflicting classifications of pathogenicity. Review status: criteria provided, conflicting classifications (1 of 4 stars). 2 submissions from 2 submitters: Uncertain significance (1); Likely benign (1). Last evaluated 2025-12-10.

Conditions:
Hereditary cancer-predisposing syndrome. Also called: Neoplastic Syndromes, Hereditary; Tumor predisposition; Hereditary Cancer Syndrome; Hereditary neoplastic syndrome. Identifiers: Orphanet 140162, MedGen C0027672, MeSH D009386, MONDO:0015356.

Allele frequency attached by ClinVar (database versions not stated): ExAC 0.00002.
gnomAD v4.1: 3 of 1,611,458 alleles (0.00019%); highest among the groups gnomAD compares: East Asian, 0.0067%; no homozygotes.

Submissions (2):

Labcorp Genetics (formerly Invitae), Labcorp
Classification: Uncertain significance for Hereditary cancer-predisposing syndrome. Last evaluated: 2025-12-10. Review status: criteria provided, single submitter. Criteria: Invitae Variant Classification Sherloc (09022015). Collection method: clinical testing. Allele origin: germline.
Comment: This sequence change falls in intron 10 of the RAD50 gene. It does not directly change the encoded amino acid sequence of the RAD50 protein. It affects a nucleotide within the consensus splice site. This variant is present in population databases (rs764870292, gnomAD 0.02%). This variant has not been reported in the literature in individuals affected with RAD50-related conditions. ClinVar contains an entry for this variant (Variation ID: 854950). Variants that disrupt the consensus splice site are a relatively common cause of aberrant splicing (PMID: 17576681, 9536098). Algorithms developed to predict the effect of sequence changes on RNA splicing suggest that this variant is not likely to affect RNA splicing. In summary, the available evidence is currently insufficient to determine the role of this variant in disease. Therefore, it has been classified as a Variant of Uncertain Significance.

Blueprint Genetics
Classification: Likely benign. Last evaluated: 2022-12-12. Review status: criteria provided, single submitter. Criteria: ACMG Guidelines, 2015. Collection method: clinical testing. Allele origin: germline.

Literature cited by the submitters: PubMed 17576681 (cited by Labcorp Genetics (formerly Invitae), Labcorp); PubMed 9536098 (cited by Labcorp Genetics (formerly Invitae), Labcorp).

NM_005732.4(RAD50):c.1635+6A>C

Gene: RAD50 (RAD50 double strand break repair protein; plus strand). Cytogenetic location: 5q31.1.
Variant type: single nucleotide variant.
Coding change: c.1635+6A>C on transcript NM_005732.4 (MANE Select); 6 bases into the intron after coding-DNA position 1635, A replaced by C.
Molecular consequence: intron variant.
Genome position (GRCh38, 1-based): chr5:132,591,412, A>C. VCF-style: chr5-132591412-A-C. GRCh37 (hg19) VCF-style: chr5-131927104-A-C.
Identifiers: ClinVar variation 854950 (VCV000854950.9), dbSNP rs764870292, ClinGen allele CA3405210.